The following is an entry in ClinVar:

ClinVar aggregate classification (germline): Uncertain significance (1 of 4 stars; one submission).

Conditions:
Short-rib thoracic dysplasia 6 with or without polydactyly (SRTD6). Also called: Majewski Syndrome; SHORT-RIB THORACIC DYSPLASIA 6 WITH POLYDACTYLY; SHORT-RIB THORACIC DYSPLASIA 6 WITHOUT POLYDACTYLY; POLYDACTYLY WITH NEONATAL CHONDRODYSTROPHY, TYPE II; SHORT RIB-POLYDACTYLY SYNDROME, TYPE IIA. Identifiers: MedGen C0024507, MONDO:0009894, OMIM 263520.

Allele frequency attached by ClinVar (database versions not stated): gnomAD 0.00001; TOPMed 0.00001.
gnomAD v4.1: 12 of 1,549,844 alleles (0.00077%); highest among the groups gnomAD compares: Middle Eastern, 0.017%; no homozygotes.

Submission:

Labcorp Genetics (formerly Invitae), Labcorp
Classification: Uncertain significance for Short-rib thoracic dysplasia 6 with or without polydactyly. Last evaluated: 2023-07-25. Review status: criteria provided, single submitter. Criteria: Invitae Variant Classification Sherloc (09022015). Collection method: clinical testing. Allele origin: germline.
Comment: Advanced modeling of protein sequence and biophysical properties (such as structural, functional, and spatial information, amino acid conservation, physicochemical variation, residue mobility, and thermodynamic stability) performed at Invitae indicates that this missense variant is not expected to disrupt NEK1 protein function. This variant has not been reported in the literature in individuals affected with NEK1-related conditions. The frequency data for this variant in the population databases is considered unreliable, as metrics indicate poor data quality at this position in the gnomAD database. This sequence change replaces isoleucine, which is neutral and non-polar, with valine, which is neutral and non-polar, at codon 164 of the NEK1 protein (p.Ile164Val). In summary, the available evidence is currently insufficient to determine the role of this variant in disease. Therefore, it has been classified as a Variant of Uncertain Significance.

NM_001199397.3(NEK1):c.490A>G (p.Ile164Val)

Gene: NEK1 (NIMA related kinase 1; minus strand). Cytogenetic location: 4q33.
Variant type: single nucleotide variant.
Coding change: c.490A>G on transcript NM_001199397.3 (MANE Select); coding-DNA position 490, A replaced by G.
Protein change: p.Ile164Val; replaces isoleucine 164 with valine.
Molecular consequence: missense variant. On other transcripts: non-coding transcript variant (2).
Genome position (GRCh38, 1-based): chr4:169,588,710, T>C on the plus strand (A>G on the coding strand, the complement: NEK1 is on the minus strand). VCF-style: chr4-169588710-T-C. GRCh37 (hg19) VCF-style: chr4-170509861-T-C.
Other names: c.490A>G, p.Ile164Val (NM_001199398.3, NM_001199399.3, NM_001199400.3 and 7 more transcripts); short protein forms I164V.
Identifiers: ClinVar variation 2798414 (VCV002798414.3), dbSNP rs947396390, ClinGen allele CA109920885.